The following is an entry in ClinVar:

NM_053025.4(MYLK):c.869C>T (p.Ala290Val)

Gene: MYLK (myosin light chain kinase; minus strand). Cytogenetic location: 3q21.1.
Variant type: single nucleotide variant.
Coding change: c.869C>T on transcript NM_053025.4 (MANE Select); coding-DNA position 869, C replaced by T.
Protein change: p.Ala290Val; replaces alanine 290 with valine.
Molecular consequence: missense variant.
Genome position (GRCh38, 1-based): chr3:123,734,127, G>A on the plus strand (C>T on the coding strand, the complement: MYLK is on the minus strand). VCF-style: chr3-123734127-G-A. GRCh37 (hg19) VCF-style: chr3-123452974-G-A.
Other names: c.341C>T, p.Ala114Val (NM_001321309.2); c.869C>T, p.Ala290Val (NM_053026.4, NM_053027.4, NM_053028.4); short protein forms A114V, A290V.
Identifiers: ClinVar variation 2416404 (VCV002416404.4), dbSNP rs2474567963, ClinGen allele CA354239977.

ClinVar aggregate classification (germline): Uncertain significance (1 of 4 stars; one submission).

Conditions:
Aortic aneurysm, familial thoracic 7 (AAT7). Also called: AORTIC DISSECTION, FAMILIAL, WITH OR WITHOUT AORTIC ANEURYSM. Identifiers: MedGen C3151077, MONDO:0013418, OMIM 613780.

Allele frequency attached by ClinVar (database versions not stated): gnomAD exomes below 0.00001.
gnomAD v4.1: 5 of 1,593,944 alleles (0.00031%); highest among the groups gnomAD compares: Non-Finnish European, 0.00043%; no homozygotes.

Submission:

Labcorp Genetics (formerly Invitae), Labcorp
Classification: Uncertain significance for Aortic aneurysm, familial thoracic 7. Last evaluated: 2022-05-16. Review status: criteria provided, single submitter. Criteria: Invitae Variant Classification Sherloc (09022015). Collection method: clinical testing. Allele origin: germline.
Comment: This sequence change replaces alanine, which is neutral and non-polar, with valine, which is neutral and non-polar, at codon 290 of the MYLK protein (p.Ala290Val). This variant is not present in population databases (gnomAD no frequency). This variant has not been reported in the literature in individuals affected with MYLK-related conditions. Advanced modeling of protein sequence and biophysical properties (such as structural, functional, and spatial information, amino acid conservation, physicochemical variation, residue mobility, and thermodynamic stability) performed at Invitae indicates that this missense variant is not expected to disrupt MYLK protein function. In summary, the available evidence is currently insufficient to determine the role of this variant in disease. Therefore, it has been classified as a Variant of Uncertain Significance.